The following is an entry in ClinVar:

NM_016098.4(MPC1):c.306-9dup

Gene: MPC1 (mitochondrial pyruvate carrier 1; minus strand). Cytogenetic location: 6q27.
Variant type: Duplication.
Coding change: c.306-9dup on transcript NM_016098.4 (MANE Select); 9 bases into the intron before coding-DNA position 306, one base duplicated (T; older notation c.306-9dupT).
Molecular consequence: intron variant.
Genome position (GRCh38, 1-based): chr6:166,365,462, A duplicated on the plus strand (T on the coding strand, the reverse complement: MPC1 is on the minus strand); the first of 3 consecutive A bases (chr6:166,365,462-166,365,464); duplicating any one gives the same sequence. VCF-style (leftmost placement, unchanged base first): chr6-166365461-G-GA. GRCh37 (hg19) VCF-style: chr6-166778949-G-GA.
Other names: c.177-9dup (NM_001376566.1, NM_001376567.1, NM_001376568.1 and 2 more transcripts); c.*43-9dup (NM_001376569.1); c.306-9dupT (NM_016098.3).
Identifiers: ClinVar variation 1529084 (VCV001529084.10), dbSNP rs773420004, ClinGen allele CA4093603.

ClinVar aggregate classification (germline): Likely benign. Review status: criteria provided, single submitter (1 of 4 stars). 2 submissions from 2 submitters: Likely benign (1). 1 of the submissions does not count toward it. Last evaluated 2022-07-19.

Conditions:
MPC1-related disorder. Also called: MPC1-related condition.

Submissions (2):

Labcorp Genetics (formerly Invitae), Labcorp
Classification: Likely benign. Last evaluated: 2022-07-19. Review status: criteria provided, single submitter. Criteria: Invitae Variant Classification Sherloc (09022015). Collection method: clinical testing. Allele origin: germline.

PreventionGenetics, part of Exact Sciences
Classification: Likely benign for MPC1-related condition. Last evaluated: 2019-09-11. Review status: no assertion criteria provided. Collection method: clinical testing. Allele origin: germline. Not counted in ClinVar's aggregate classification.
Comment: This variant is classified as likely benign based on ACMG/AMP sequence variant interpretation guidelines (Richards et al. 2015 PMID: 25741868, with internal and published modifications).